The following is an entry in ClinVar:

ClinVar aggregate classification (germline): Uncertain significance. Review status: criteria provided, multiple submitters, no conflicts (2 of 4 stars). 2 submissions from 2 submitters: Uncertain significance (2). Last evaluated 2022-07-06.

Allele frequency attached by ClinVar (database versions not stated): gnomAD 0.00001; gnomAD exomes 0.00001; TOPMed 0.00001; ExAC 0.00002.
gnomAD v4.1: 12 of 1,613,948 alleles (0.00074%); highest among the groups gnomAD compares: African/African-American, 0.0027%; no homozygotes.

Submissions (2):

Labcorp Genetics (formerly Invitae), Labcorp
Classification: Uncertain significance. Last evaluated: 2022-07-06. Review status: criteria provided, single submitter. Criteria: Invitae Variant Classification Sherloc (09022015). Collection method: clinical testing. Allele origin: germline.
Comment: This sequence change replaces asparagine, which is neutral and polar, with serine, which is neutral and polar, at codon 969 of the IMPG2 protein (p.Asn969Ser). This variant is present in population databases (rs765677740, gnomAD 0.008%). This variant has not been reported in the literature in individuals affected with IMPG2-related conditions. ClinVar contains an entry for this variant (Variation ID: 1487171). Algorithms developed to predict the effect of missense changes on protein structure and function output the following: SIFT: "Tolerated"; PolyPhen-2: "Benign"; Align-GVGD: "Class C0". The serine amino acid residue is found in multiple mammalian species, which suggests that this missense change does not adversely affect protein function. In summary, the available evidence is currently insufficient to determine the role of this variant in disease. Therefore, it has been classified as a Variant of Uncertain Significance.

Blueprint Genetics
Classification: Uncertain significance. Last evaluated: 2021-12-21. Review status: criteria provided, single submitter. Criteria: ACMG Guidelines, 2015. Collection method: clinical testing. Allele origin: germline.

NM_016247.4(IMPG2):c.2906A>G (p.Asn969Ser)

Gene: IMPG2 (interphotoreceptor matrix proteoglycan 2; minus strand). Cytogenetic location: 3q12.3.
Variant type: single nucleotide variant.
Coding change: c.2906A>G on transcript NM_016247.4 (MANE Select); coding-DNA position 2906, A replaced by G.
Protein change: p.Asn969Ser; replaces asparagine 969 with serine.
Molecular consequence: missense variant.
Genome position (GRCh38, 1-based): chr3:101,242,804, T>C on the plus strand (A>G on the coding strand, the complement: IMPG2 is on the minus strand). VCF-style: chr3-101242804-T-C. GRCh37 (hg19) VCF-style: chr3-100961648-T-C.
Other names: short protein forms N969S.
Identifiers: ClinVar variation 1487171 (VCV001487171.6), dbSNP rs765677740, ClinGen allele CA2518881.